The following is an entry in ClinVar:

ClinVar aggregate classification (germline): Pathogenic (1 of 4 stars; one submission).

Conditions:
Koolen-de Vries syndrome (KDVS). Identifiers: Orphanet 96169, MedGen C1864871, MONDO:0012496, OMIM 610443.

Submission:

Labcorp Genetics (formerly Invitae), Labcorp
Classification: Pathogenic for Koolen-de Vries syndrome. Last evaluated: 2024-02-24. Review status: criteria provided, single submitter. Criteria: Invitae Variant Classification Sherloc (09022015). Collection method: clinical testing. Allele origin: germline.
Comment: This sequence change creates a premature translational stop signal (p.Gln553delinsLeuVal*) in the KANSL1 gene. It is expected to result in an absent or disrupted protein product. Loss-of-function variants in KANSL1 are known to be pathogenic (PMID: 22544363, 22544367). This variant is not present in population databases (gnomAD no frequency). This variant has not been reported in the literature in individuals affected with KANSL1-related conditions. ClinVar contains an entry for this variant (Variation ID: 1071483). For these reasons, this variant has been classified as Pathogenic.

Literature cited by the submitters: PubMed 22544363; PubMed 22544367.

NM_015443.4(KANSL1):c.1657_1658insTTGTAT (p.Gln553delinsLeuValTer)

Gene: KANSL1 (KAT8 regulatory NSL complex subunit 1). Cytogenetic location: 17q21.31.
Variant type: Insertion.
Coding change: c.1657_1658insTTGTAT on transcript NM_015443.4 (MANE Select); coding-DNA positions 1657 to 1658, TTGTAT inserted.
Protein change: p.Gln553delinsLeuValTer.
Molecular consequence: nonsense.
Genome position: GRCh38 VCF-style: chr17-46066727-T-TATACAA. GRCh37 (hg19) VCF-style: chr17-44144093-T-TATACAA.
Other names: c.1657_1658insTTGTAT, p.Gln553delinsLeuValTer (NM_001193465.2, NM_001193466.2, NM_001379198.1).
Identifiers: ClinVar variation 1071483 (VCV001071483.7), dbSNP rs2146659025, ClinGen allele CA2499224673.